The following is an entry in ClinVar:

ClinVar aggregate classification (germline): Uncertain significance (1 of 4 stars; one submission).

Conditions:
Hereditary cancer-predisposing syndrome. Also called: Hereditary neoplastic syndrome; Hereditary Cancer Syndrome; Neoplastic Syndromes, Hereditary; Tumor predisposition. Identifiers: Orphanet 140162, MedGen C0027672, MeSH D009386, MONDO:0015356.

Submission:

Ambry Genetics
Classification: Uncertain significance for Hereditary cancer-predisposing syndrome. Last evaluated: 2023-04-03. Review status: criteria provided, single submitter. Criteria: Ambry Variant Classification Scheme 2023. Collection method: clinical testing. Allele origin: germline.
Comment: The p.Q1201K variant (also known as c.3601C>A), located in coding exon 18 of the BLM gene, results from a C to A substitution at nucleotide position 3601. The glutamine at codon 1201 is replaced by lysine, an amino acid with similar properties. This amino acid position is conserved. In addition, this alteration is predicted to be tolerated by in silico analysis. Since supporting evidence is limited at this time, the clinical significance of this alteration remains unclear.

NM_000057.4(BLM):c.3601C>A (p.Gln1201Lys)

Gene: BLM (BLM RecQ like helicase; plus strand). Cytogenetic location: 15q26.1.
Variant type: single nucleotide variant.
Coding change: c.3601C>A on transcript NM_000057.4 (MANE Select); coding-DNA position 3601, C replaced by A.
Protein change: p.Gln1201Lys; replaces glutamine 1201 with lysine.
Molecular consequence: missense variant. On other transcripts: intron variant (1).
Genome position (GRCh38, 1-based): chr15:90,804,209, C>A. VCF-style: chr15-90804209-C-A. GRCh37 (hg19) VCF-style: chr15-91347439-C-A.
Other names: c.3601C>A, p.Gln1201Lys (NM_001287246.2); c.2476C>A, p.Gln826Lys (NM_001287248.2); c.3359-4928C>A (NM_001287247.2); short protein forms Q1201K, Q826K.
Identifiers: ClinVar variation 2566818 (VCV002566818.2), dbSNP rs1897233384, ClinGen allele CA393847974.